The following is an entry in ClinVar:

ClinVar aggregate classification (germline): Uncertain significance. Review status: criteria provided, multiple submitters, no conflicts (2 of 4 stars). 4 submissions from 4 submitters: Uncertain significance (3). 1 of the submissions does not count toward it. Last evaluated 2025-11-24.

Conditions:
Self-limited epilepsy with centrotemporal spikes. Also called: Rolandic epilepsy; Childhood epilepsy with centrotemporal spikes. Identifiers: Orphanet 1945, MedGen C0376532, MONDO:0007295.
Cortical dysplasia-focal epilepsy syndrome (PTHSL1). Also called: Pitt-Hopkins-like syndrome 1. Identifiers: Orphanet 163681, Orphanet 221150, MedGen C2750246, MONDO:0012400, OMIM 610042.

Allele frequency attached by ClinVar (database versions not stated): ExAC 0.00002; gnomAD exomes 0.00002 and 0.00004; TOPMed 0.00002; gnomAD 0.00003 and 0.00004; ESP Exome Variant Server 0.00008.
gnomAD v4.1: 38 of 1,613,520 alleles (0.0024%); highest among the groups gnomAD compares: Middle Eastern, 0.049%; no homozygotes.

Submissions (4):

Labcorp Genetics (formerly Invitae), Labcorp
Classification: Uncertain significance for Cortical dysplasia-focal epilepsy syndrome. Last evaluated: 2025-11-24. Review status: criteria provided, single submitter. Criteria: Invitae Variant Classification Sherloc (09022015). Collection method: clinical testing. Allele origin: germline.
Comment: This sequence change replaces aspartic acid, which is acidic and polar, with tyrosine, which is neutral and polar, at codon 417 of the CNTNAP2 protein (p.Asp417Tyr). This variant is present in population databases (rs147815978, gnomAD 0.008%). This missense change has been observed in individual(s) with Rolandic epilepsy (PMID: 29358611). ClinVar contains an entry for this variant (Variation ID: 205236). An algorithm developed to predict the effect of missense changes on protein structure and function (PolyPhen-2) suggests that this variant is likely to be tolerated. In summary, the available evidence is currently insufficient to determine the role of this variant in disease. Therefore, it has been classified as a Variant of Uncertain Significance.

Women's Health and Genetics/Laboratory Corporation of America, LabCorp
Classification: Uncertain significance. Last evaluated: 2024-04-11. Review status: criteria provided, single submitter. Criteria: LabCorp Variant Classification Summary - May 2015. Collection method: clinical testing. Allele origin: germline.
Comment: Variant summary: CNTNAP2 c.1249G>T (p.Asp417Tyr) results in a non-conservative amino acid change located in the Laminin G domain (IPR001791) of the encoded protein sequence. Three of five in-silico tools predict a damaging effect of the variant on protein function. The variant allele was found at a frequency of 3.6e-05 in 251086 control chromosomes (gnomAD). The available data on variant occurrences in the general population are insufficient to allow any conclusion about variant significance. c.1249G>T has been reported in the literature in individuals affected with Rolandic epilepsy or Intellectual disability and autism spectrum disorder/autistic traits without strong evidence of causality (e.g. Bobbili_2018, Carraro_2019). These reports do not provide unequivocal conclusions about association of the variant with Autism, Susceptibility To, 15. To our knowledge, no experimental evidence demonstrating an impact on protein function has been reported. The following publications has been ascertained in the context of this evaluation (PMID: 29358611, 31144778). ClinVar contains an entry for this variant (Variation ID: 205236). Based on the evidence outlined above, the variant was classified as uncertain significance.

GeneDx
Classification: Uncertain significance. Last evaluated: 2018-07-03. Review status: criteria provided, single submitter. Criteria: GeneDx Variant Classification (06012015). Collection method: clinical testing. Allele origin: germline. Affected: yes.
Comment: A variant of uncertain significance has been identified in the CNTNAP2 gene. The D417Y variant hasnot been published as a pathogenic variant, nor has it been reported as a benign variant to ourknowledge. The D417Y variant is observed in 9/111,478 (0.008%) alleles from individuals ofEuropean background (Lek et al., 2016). The D417Y variant is a non-conservative amino acidsubstitution, which is likely to impact secondary protein structure as these residues differ in polarity,charge, size and/or other properties. This substitution occurs at a position where amino acids with similar properties to Aspartic acid are tolerated across species. In silico analysis predicts this variant is probably damaging to the protein structure/function. Based on the currently available information, it is unclear whether this variant is a pathogenic variant or a rare benign variant.

Bioinformatics Core, Luxembourg Center for Systems Biomedicine
Classification: Pathogenic for Self-limited epilepsy with centrotemporal spikes. Last evaluated: 2017-01-01. Review status: no assertion criteria provided. Collection method: case-control. Allele origin: germline. Affected: yes. Study: EUROEPINOMICS COGIE. Not counted in ClinVar's aggregate classification.

Literature cited by the submitters: PubMed 29358611 (cited by 3 submitters); PubMed 31144778 (cited by Women's Health and Genetics/Laboratory Corporation of America, LabCorp).

NM_014141.6(CNTNAP2):c.1249G>T (p.Asp417Tyr)

Gene: CNTNAP2 (contactin associated protein 2; plus strand). Cytogenetic location: 7q35.
Variant type: single nucleotide variant.
Coding change: c.1249G>T on transcript NM_014141.6 (MANE Select); coding-DNA position 1249, G replaced by T.
Protein change: p.Asp417Tyr; replaces aspartic acid 417 with tyrosine.
Molecular consequence: missense variant.
Genome position (GRCh38, 1-based): chr7:147,132,410, G>T. VCF-style: chr7-147132410-G-T. GRCh37 (hg19) VCF-style: chr7-146829502-G-T.
Other names: p.D417Y:GAT>TAT; short protein forms D417Y.
Identifiers: ClinVar variation 205236 (VCV000205236.13), dbSNP rs147815978, ClinGen allele CA314106.